The following is an entry in ClinVar:

ClinVar aggregate classification (germline): Pathogenic (1 of 4 stars; one submission).

Conditions:
Ehlers-Danlos syndrome due to tenascin-X deficiency (EDSCLL1). Also called: EDS DUE TO TNX DEFICIENCY; TNX DEFICIENCY; Ehlers-Danlos syndrome, classic-like, 1; EHLERS-DANLOS SYNDROME, CLASSIC-LIKE; TNXB-Related Classical-Like Ehlers-Danlos Syndrome. Identifiers: Orphanet 230839, MedGen C1848029, MONDO:0011670, OMIM 606408.

Submission:

Myriad Genetics, Inc.
Classification: Pathogenic for Ehlers-Danlos syndrome due to tenascin-X deficiency. Last evaluated: 2026-09-04. Review status: criteria provided, single submitter. Criteria: Myriad Autosomal Dominant, Autosomal Recessive and X-Linked Classification Criteria (2023). Collection method: clinical testing. Allele origin: unknown.
Comment: NM_019105.6(TNXB):c.5783delG(G1928Efs*20) is expected to be pathogenic in the context of classical-like Ehlers-Danlos syndrome, TNXB-related. This variant is predicted to lead to an abnormal or absent protein product due to the creation of a premature termination codon in TNXB, a gene where loss-of-function variants are known to be pathogenic. Please note: this variant was assessed in the context of healthy population screening.

NM_001365276.2(TNXB):c.5783del (p.Gly1928fs)

Gene: TNXB (tenascin XB; minus strand). Cytogenetic location: 6p21.33.
Variant type: Deletion.
Coding change: c.5783del on transcript NM_001365276.2 (MANE Select); coding-DNA position 5783, one base deleted (G; older notation c.5783delG).
Protein change: p.Gly1928fs; shifts the reading frame from glycine 1928.
Molecular consequence: frameshift variant.
Genome position (GRCh38, 1-based): chr6:32,068,941, C deleted on the plus strand (G on the coding strand, the reverse complement: TNXB is on the minus strand); the first of 2 consecutive C bases (chr6:32,068,941-32,068,942); deleting either gives the same sequence. VCF-style (leftmost placement, unchanged base first): chr6-32068940-TC-T. GRCh37 (hg19) VCF-style: chr6-32036717-TC-T.
Other names: c.6524del, p.Gly2175fs (NM_001428335.1); c.5783del, p.Gly1928fs (NM_019105.8); short protein forms G1928fs, G2175fs.
Identifiers: ClinVar variation 5016316 (VCV005016316.1).